The following is an entry in ClinVar:

ClinVar aggregate classification (germline): Pathogenic (1 of 4 stars; one submission).

Conditions:
Neurofibromatosis, type 1 (NF1). Also called: Neurofibromatosis, type I; Peripheral type neurofibromatosis; VON RECKLINGHAUSEN DISEASE; NEUROFIBROMATOSIS, TYPE I, SOMATIC. Identifiers: Orphanet 636, MedGen C0027831, MONDO:0018975, OMIM 162200. Disease mechanism: loss of function.

Submission:

Labcorp Genetics (formerly Invitae), Labcorp
Classification: Pathogenic for Neurofibromatosis, type 1. Last evaluated: 2022-06-19. Review status: criteria provided, single submitter. Criteria: Invitae Variant Classification Sherloc (09022015). Collection method: clinical testing. Allele origin: germline.
Comment: For these reasons, this variant has been classified as Pathogenic. Algorithms developed to predict the effect of sequence changes on RNA splicing suggest that this variant may disrupt the consensus splice site. This variant has not been reported in the literature in individuals affected with NF1-related conditions. This variant is not present in population databases (gnomAD no frequency). This sequence change creates a premature translational stop signal (p.Ser1891*) in the NF1 gene. It is expected to result in an absent or disrupted protein product. Loss-of-function variants in NF1 are known to be pathogenic (PMID: 10712197, 23913538).

Literature cited by the submitters: PubMed 10712197; PubMed 23913538.

NM_001042492.3(NF1):c.5733dup (p.Ser1912Ter)

Gene: NF1 (neurofibromin 1; plus strand). Cytogenetic location: 17q11.2.
Variant type: Duplication.
Coding change: c.5733dup on transcript NM_001042492.3 (MANE Select); coding-DNA position 5733, one base duplicated (T; older notation c.5733dupT).
Protein change: p.Ser1912Ter; replaces serine 1912 with a stop codon.
Molecular consequence: nonsense. On other transcripts: frameshift variant (1).
Genome position (GRCh38, 1-based): chr17:31,330,419, T duplicated; the last of 2 consecutive T bases (chr17:31,330,418-31,330,419); duplicating either gives the same sequence. VCF-style (leftmost placement, unchanged base first): chr17-31330417-A-AT. GRCh37 (hg19) VCF-style: chr17-29657435-A-AT.
Other names: c.5670dup, p.Ser1891Terfs (NM_000267.4); short protein forms S1891*, S1912*.
Identifiers: ClinVar variation 2008536 (VCV002008536.4), dbSNP rs2508718875, ClinGen allele CA2580093383.